The following is an entry in ClinVar:

NM_004380.3(CREBBP):c.543T>A (p.Phe181Leu)

Gene: CREBBP (CREB binding protein; minus strand). Cytogenetic location: 16p13.3.
Variant type: single nucleotide variant.
Coding change: c.543T>A on transcript NM_004380.3 (MANE Select); coding-DNA position 543, T replaced by A.
Protein change: p.Phe181Leu; replaces phenylalanine 181 with leucine.
Molecular consequence: missense variant.
Genome position (GRCh38, 1-based): chr16:3,850,552, A>T on the plus strand (T>A on the coding strand, the complement: CREBBP is on the minus strand). VCF-style: chr16-3850552-A-T. GRCh37 (hg19) VCF-style: chr16-3900553-A-T.
Other names: c.543T>A, p.Phe181Leu (NM_001079846.1); short protein forms F181L.
Identifiers: ClinVar variation 3234938 (VCV003234938.1), dbSNP rs780814837, ClinGen allele CA394560663.
Genomic context (GRCh38, chr16:3,850,552, plus strand): 5'-AGCCTGATTAATTAAGCTATGGCCAGAGTTACTATTGAGGAGGCCTGGGTGGGTCTGGTT[A>T]AAGTTAGCATTCATGCAGATACCAGGTCCAGTCTGTGACGTGGCAGGGCTGCTAGTCGCC-3'
Protein context (NP_004371.2, residues 171-191): TGPGICMNAN[Phe181Leu]NQTHPGLLNS

ClinVar aggregate classification (germline): Uncertain significance (1 of 4 stars; one submission).

Conditions:
Menke-Hennekam syndrome 1 (MKHK1). Identifiers: MedGen C5193034, MONDO:0020763, OMIM 618332.

Submission:

Neuberg Centre For Genomic Medicine, NCGM
Classification: Uncertain significance for Menke-Hennekam syndrome 1. Review status: criteria provided, single submitter. Criteria: ACMG Guidelines, 2015. Collection method: clinical testing. Allele origin: germline. Inheritance: Autosomal dominant inheritance. Affected: yes.
Comment: The missense c.543T>Ap.Phe181Leu variant in CREBBP gene has not been reported previously as a pathogenic variant nor as a benign variant, to our knowledge. This variant is novel not in any individuals in gnomAD Exomes and 1000 Genomes. The amino acid Phe at position 181 is changed to a Leu changing protein sequence and it might alter its composition and physico-chemical properties. The amino acid change p.Phe181Leu in CREBBP is predicted as conserved by PhyloP across 100 vertebrates. For these reasons, this variant has been classified as Uncertain Significance.